The following is an entry in ClinVar:

NM_000342.4(SLC4A1):c.2029C>T (p.Leu677Phe)

Gene: SLC4A1 (solute carrier family 4 member 1 (Diego blood group); minus strand). Cytogenetic location: 17q21.31.
Variant type: single nucleotide variant.
Coding change: c.2029C>T on transcript NM_000342.4 (MANE Select); coding-DNA position 2029, C replaced by T.
Protein change: p.Leu677Phe; replaces leucine 677 with phenylalanine.
Molecular consequence: missense variant.
Genome position (GRCh38, 1-based): chr17:44,254,524, G>A on the plus strand (C>T on the coding strand, the complement: SLC4A1 is on the minus strand). VCF-style: chr17-44254524-G-A. GRCh37 (hg19) VCF-style: chr17-42331892-G-A.
Other names: short protein forms L677F.
Identifiers: ClinVar variation 3444678 (VCV003444678.2).

ClinVar aggregate classification (germline): Uncertain significance. Review status: criteria provided, multiple submitters, no conflicts (2 of 4 stars). 2 submissions from 2 submitters: Uncertain significance (2). Last evaluated 2025-10-17.

Conditions:
SLC4A1-related disorder. Also called: SLC4A1-related disorders; SLC4A1-related condition.
Inborn genetic diseases. Identifiers: MedGen C0950123, MeSH D030342.

gnomAD v4.1: 1 of 1,608,892 alleles (0.000062%); highest among the groups gnomAD compares: Non-Finnish European, 0.000085%; no homozygotes.

Submissions (2):

PreventionGenetics, part of Exact Sciences
Classification: Uncertain significance for SLC4A1-related condition. Last evaluated: 2025-10-17. Review status: criteria provided, single submitter. Criteria: ACMG Guidelines, 2015. Collection method: clinical testing. Allele origin: germline.
Comment: The SLC4A1 c.2029C>T variant is predicted to result in the amino acid substitution p.Leu677Phe. To our knowledge, this variant has not been reported in the literature or in a large population database (gnomAD), indicating this variant is rare. At this time, the clinical significance of this variant is uncertain due to the absence of conclusive functional and genetic evidence.

Ambry Genetics
Classification: Uncertain significance for Inborn genetic diseases. Last evaluated: 2024-09-04. Review status: criteria provided, single submitter. Criteria: Ambry Variant Classification Scheme 2023. Collection method: clinical testing. Allele origin: germline.